The following is an entry in ClinVar:

NM_006245.4(PPP2R5D):c.1580C>T (p.Pro527Leu)

Gene: PPP2R5D (protein phosphatase 2 regulatory subunit B'delta; plus strand). Cytogenetic location: 6p21.1.
Variant type: single nucleotide variant.
Coding change: c.1580C>T on transcript NM_006245.4 (MANE Select); coding-DNA position 1580, C replaced by T.
Protein change: p.Pro527Leu; replaces proline 527 with leucine.
Molecular consequence: missense variant.
Genome position (GRCh38, 1-based): chr6:43,010,906, C>T. VCF-style: chr6-43010906-C-T. GRCh37 (hg19) VCF-style: chr6-42978644-C-T.
Other names: c.1127C>T, p.Pro376Leu (NM_001270476.2); c.1484C>T, p.Pro495Leu (NM_180976.3); c.1262C>T, p.Pro421Leu (NM_180977.3); short protein forms P527L, P376L, P421L, P495L.
Identifiers: ClinVar variation 4713575 (VCV004713575.1).

ClinVar aggregate classification (germline): Uncertain significance (1 of 4 stars; one submission).

Submission:

Labcorp Genetics (formerly Invitae), Labcorp
Classification: Uncertain significance. Last evaluated: 2025-02-20. Review status: criteria provided, single submitter. Criteria: Invitae Variant Classification Sherloc (09022015). Collection method: clinical testing. Allele origin: germline.
Comment: This sequence change replaces proline, which is neutral and non-polar, with leucine, which is neutral and non-polar, at codon 527 of the PPP2R5D protein (p.Pro527Leu). This variant is not present in population databases (gnomAD no frequency). This variant has not been reported in the literature in individuals affected with PPP2R5D-related conditions. An algorithm developed to predict the effect of missense changes on protein structure and function (PolyPhen-2) suggests that this variant is likely to be tolerated. In summary, the available evidence is currently insufficient to determine the role of this variant in disease. Therefore, it has been classified as a Variant of Uncertain Significance.